The following is an entry in ClinVar:

ClinVar aggregate classification (germline): Likely benign (0 of 4 stars; one submission).

Conditions:
PCSK1-related disorder. Also called: PCSK1-related condition.

gnomAD v4.1: 1 of 1,614,048 alleles (0.000062%); highest among the groups gnomAD compares: Non-Finnish European, 0.000085%; no homozygotes.

Submission:

PreventionGenetics, part of Exact Sciences
Classification: Likely benign for PCSK1-related condition. Last evaluated: 2022-12-15. Review status: no assertion criteria provided. Collection method: clinical testing. Allele origin: germline.
Comment: This variant is classified as likely benign based on ACMG/AMP sequence variant interpretation guidelines (Richards et al. 2015 PMID: 25741868, with internal and published modifications).

NM_000439.5(PCSK1):c.1236C>T (p.Val412=)

Genes: CAST (calpastatin; plus strand), PCSK1 (proprotein convertase subtilisin/kexin type 1; minus strand), LOC101929710 (uncharacterized LOC101929710; plus strand). Cytogenetic location: 5q15.
Variant type: single nucleotide variant.
Coding change: c.1236C>T on transcript NM_000439.5 (MANE Select); coding-DNA position 1236, C replaced by T.
Protein change: p.Val412=; no amino-acid change (valine 412 retained).
Molecular consequence: synonymous variant. On other transcripts: intron variant (11).
Genome position (GRCh38, 1-based): chr5:96,400,147, G>A on the plus strand (C>T on the coding strand, the complement: PCSK1 is on the minus strand). VCF-style: chr5-96400147-G-A. GRCh37 (hg19) VCF-style: chr5-95735851-G-A.
Other names: c.1095C>T, p.Val365= (NM_001177875.2); c.-175+20495G>A (NM_001423254.1, NM_001423259.1, NM_001423255.1 and 6 more transcripts); c.-103+20495G>A (NM_001423253.1); c.-40+20495G>A (NM_001423258.1).
Identifiers: ClinVar variation 3350828 (VCV003350828.1).